The following is an entry in ClinVar:

ClinVar aggregate classification (germline): Uncertain significance (1 of 4 stars; one submission).

Allele frequency attached by ClinVar (database versions not stated): gnomAD exomes below 0.00001.

Submission:

Labcorp Genetics (formerly Invitae), Labcorp
Classification: Uncertain significance. Last evaluated: 2021-12-18. Review status: criteria provided, single submitter. Criteria: Invitae Variant Classification Sherloc (09022015). Collection method: clinical testing. Allele origin: germline.
Comment: In summary, the available evidence is currently insufficient to determine the role of this variant in disease. Therefore, it has been classified as a Variant of Uncertain Significance. Variants that disrupt the consensus splice site are a relatively common cause of aberrant splicing (PMID: 17576681, 9536098). Algorithms developed to predict the effect of sequence changes on RNA splicing suggest that this variant is not likely to affect RNA splicing. This variant has not been reported in the literature in individuals affected with COL11A1-related conditions. This variant is not present in population databases (gnomAD no frequency). This sequence change falls in intron 58 of the COL11A1 gene. It does not directly change the encoded amino acid sequence of the COL11A1 protein. It affects a nucleotide within the consensus splice site.

Literature cited by the submitters: PubMed 17576681; PubMed 9536098.

NM_001854.4(COL11A1):c.4356+3G>A

Gene: COL11A1 (collagen type XI alpha 1 chain; minus strand). Cytogenetic location: 1p21.1.
Variant type: single nucleotide variant.
Coding change: c.4356+3G>A on transcript NM_001854.4 (MANE Select); 3 bases into the intron after coding-DNA position 4356, G replaced by A.
Molecular consequence: intron variant.
Genome position (GRCh38, 1-based): chr1:102,890,448, C>T on the plus strand (G>A on the coding strand, the complement: COL11A1 is on the minus strand). VCF-style: chr1-102890448-C-T. GRCh37 (hg19) VCF-style: chr1-103356004-C-T.
Other names: c.4239+3G>A (NM_001190709.2); c.4392+3G>A (NM_080629.3); c.4008+3G>A (NM_080630.4).
Identifiers: ClinVar variation 2047048 (VCV002047048.4), dbSNP rs2524263059, ClinGen allele CA2580060730.